The following is an entry in ClinVar:

ClinVar aggregate classification (germline): Uncertain significance (1 of 4 stars; one submission).

gnomAD v4.1: 1 of 1,614,198 alleles (0.000062%); highest among the groups gnomAD compares: East Asian, 0.0022%; no homozygotes.

Submission:

Labcorp Genetics (formerly Invitae), Labcorp
Classification: Uncertain significance. Last evaluated: 2025-01-31. Review status: criteria provided, single submitter. Criteria: Invitae Variant Classification Sherloc (09022015). Collection method: clinical testing. Allele origin: germline.
Comment: This sequence change replaces glutamine, which is neutral and polar, with arginine, which is basic and polar, at codon 506 of the KIF20A protein (p.Gln506Arg). This variant is not present in population databases (gnomAD no frequency). This variant has not been reported in the literature in individuals affected with KIF20A-related conditions. An algorithm developed to predict the effect of missense changes on protein structure and function (PolyPhen-2) suggests that this variant is likely to be disruptive. In summary, the available evidence is currently insufficient to determine the role of this variant in disease. Therefore, it has been classified as a Variant of Uncertain Significance.

NM_005733.3(KIF20A):c.1517A>G (p.Gln506Arg)

Gene: KIF20A (kinesin family member 20A; plus strand). Cytogenetic location: 5q31.2.
Variant type: single nucleotide variant.
Coding change: c.1517A>G on transcript NM_005733.3 (MANE Select); coding-DNA position 1517, A replaced by G.
Protein change: p.Gln506Arg; replaces glutamine 506 with arginine.
Molecular consequence: missense variant.
Genome position (GRCh38, 1-based): chr5:138,184,403, A>G. VCF-style: chr5-138184403-A-G. GRCh37 (hg19) VCF-style: chr5-137520092-A-G.
Other names: short protein forms Q506R.
Identifiers: ClinVar variation 4781800 (VCV004781800.1).